The following continues an entry in ClinVar:

NM_000108.5(DLD):c.685G>T (p.Gly229Cys)

Gene: DLD. ClinVar aggregate classification (germline): Pathogenic/Likely pathogenic. Pathogenic (26); Likely pathogenic (1).

Submissions 11 to 27 of 33:

Dubai Health Genomic Medicine Center, Dubai Health
Classification: Pathogenic for Dihydrolipoamide dehydrogenase deficiency. Last evaluated: 2024-10-04. Review status: criteria provided, single submitter. Criteria: ACMG Guidelines, 2015. Collection method: research. Allele origin: germline. Affected: yes.
Comment: PS3,PP1,PM3(strong),PP1,PM2

Fulgent Genetics
Classification: Pathogenic for Pyruvate dehydrogenase E3 deficiency. Last evaluated: 2024-04-25. Review status: criteria provided, single submitter. Criteria: ACMG Guidelines, 2015. Collection method: clinical testing. Allele origin: germline.

Baylor Genetics
Classification: Pathogenic for Pyruvate dehydrogenase E3 deficiency. Last evaluated: 2024-03-27. Review status: criteria provided, single submitter. Criteria: ACMG Guidelines, 2015. Collection method: clinical testing. Allele origin: unknown.

Genomic Medicine Center of Excellence, King Faisal Specialist Hospital and Research Centre
Classification: Pathogenic for Pyruvate dehydrogenase E3 deficiency. Last evaluated: 2024-03-25. Review status: criteria provided, single submitter. Criteria: ACMG Guidelines, 2015. Collection method: clinical testing. Allele origin: germline.

Laboratory of Medical Genetics, National & Kapodistrian University of Athens
Classification: Pathogenic for Pyruvate dehydrogenase E3 deficiency. Last evaluated: 2024-02-01. Review status: criteria provided, single submitter. Criteria: ACMG Guidelines, 2015. Collection method: curation. Allele origin: germline. Affected: no.

Department of Pathology and Laboratory Medicine, Sinai Health System
Classification: Pathogenic for pyruvate dehydrogenase E3 deficiency. Last evaluated: 2023-08-23. Review status: criteria provided, single submitter. Criteria: ACMG Guidelines, 2015. Collection method: research. Allele origin: germline.

Neuberg Centre For Genomic Medicine, NCGM
Classification: Pathogenic for Pyruvate dehydrogenase E3 deficiency. Last evaluated: 2023-06-22. Review status: criteria provided, single submitter. Criteria: ACMG Guidelines, 2015. Collection method: clinical testing. Allele origin: germline. Inheritance: Autosomal recessive inheritance. Affected: yes.
Comment: The missense c.685G>T(p.Gly229Cys) variant in DLD gene has been reported previously in multiple individuals affected with Dihydrolipoamide dehydrogenase deficiency (Haviv R, et al., 2014; Brassier A, et al., 2013; Hong YS, et al., 2003). This variant has also been observed to segregate with disease in related individuals. Experimental studies have shown that this missense change affects DLD function (Ambrus A, et al., 2011). The p.Gly229Cys variant is present with allele frequency of 0.03% in gnomAD Exomes. This variant has been submitted to the ClinVar database as Pathogenic (multiple submissions). Multiple lines of computational evidences (Polyphen - Probably damaging, SIFT - Damaging and MutationTaster - Disease causing) predict a damaging effect on protein structure and function for this variant. The reference amino acid at this position on DLD gene is predicted as conserved by GERP++ and PhyloP across 100 vertebrates. The amino acid Gly at position 229 is changed to a Cys changing protein sequence and it might alter its composition and physico-chemical properties. For these reasons, this variant has been classified as Pathogenic. In absence of another reportable variant in DLD gene, the molecular diagnosis is not confirmed.

Revvity Omics, Revvity
Classification: Pathogenic for Pyruvate dehydrogenase E3 deficiency. Last evaluated: 2023-03-30. Review status: criteria provided, single submitter. Criteria: ACMG Guidelines, 2015. Collection method: clinical testing. Allele origin: germline.

Institute of Human Genetics Munich, TUM University Hospital
Classification: Pathogenic for Pyruvate dehydrogenase E3 deficiency. Last evaluated: 2022-11-21. Review status: criteria provided, single submitter. Criteria: Classification criteria August 2017. Collection method: clinical testing. Allele origin: germline. Inheritance: Autosomal recessive inheritance. Affected: yes. Observed: 1 variant allele.

Dasa
Classification: Pathogenic. Last evaluated: 2022-01-05. Review status: criteria provided, single submitter. Criteria: ACMG Guidelines, 2015. Collection method: clinical testing. Allele origin: germline. Affected: yes. Observed: 1 variant allele.
Comment: The c.685G>T;p.(Gly229Cys) missense variant has been observed in affected individual(s) and ClinVar contains an entry for this variant (Clinvar ID: 11966; PMID: 21930696; 23478190; 21558426; OMIM: 238331.0006) - PS4. Well-established in vitro or in vivo functional studies support a damaging effect on the gene or gene product (PMID: 23478190, 21558426, 21930696) - PS3_moderate. The variant is located in a mutational hot spot and/or critical and well-established functional domain (NAD + binding) - PM1. The variant is present at low allele frequencies population databases (rs121964990– gnomAD 0.001776%; ABraOM 0.000427 frequency) - PM2_supporting. The p.(Gly229Cys) was detected in trans with a pathogenic variant (PMID: 23995961) - PM3. Multiple lines of computational evidence support a deleterious effect on the gene or gene product - PP3. In summary, the currently available evidence indicates that the variant is pathogenic.

Institute of Medical Genetics and Applied Genomics, University Hospital Tübingen
Classification: Pathogenic. Last evaluated: 2020-10-23. Review status: criteria provided, single submitter. Criteria: ACMG Guidelines, 2015. Collection method: clinical testing. Allele origin: germline. Inheritance: Unknown mechanism. Affected: yes.

Breakthrough Genomics
Classification: Pathogenic for Pyruvate dehydrogenase E3 deficiency. Last evaluated: 2020-04-12. Review status: criteria provided, single submitter. Criteria: ACMG Guidelines, 2015. Collection method: clinical testing. Allele origin: germline. Affected: yes.
Comment: This variant was previously reported in patients with dihydrolipoamide dehydrogenase (DLD or E3) deficiency in homozygous and compound heterozygous state. In addition, this variant was also identified in a heterozygous state without a second variant [PMID's: 9934985, 23478190, 23995961] and reported as disease causing mutation located in NAD+ binding domain [PMID: 23478190]. This variant in the DLD gene has been reported with a carrier frequency of 1 in 94 in the Ashkenazi Jewish population [PMID: 9934985]. Functional studies on this variant p.Gly229Cys (represented as G194C) have shown to impairs DLD function and results in increased reactive oxygen species (ROS) generation in vitro and in yeast [PMID: 21558426, 21930696].

Myriad Genetics, Inc.
Classification: Pathogenic for Pyruvate dehydrogenase E3 deficiency. Last evaluated: 2019-10-18. Review status: criteria provided, single submitter. Criteria: Myriad Women's Health Autosomal Recessive and X-Linked Classification Criteria (2019). Collection method: clinical testing. Allele origin: unknown.
Comment: NM_000108.3(DLD):c.685G>T(G229C, aka G194C) is classified as pathogenic in the context of dihydrolipoamide dehydrogenase deficiency. Sources cited for classification include the following: PMIDs: 16601893, 14765544, 23995961, 21930696, 21558426, 9934985. Classification of NM_000108.3(DLD):c.685G>T(G229C, aka G194C) is based on the following criteria: This is a well-established pathogenic variant in the literature that has been observed more frequently in patients with clinical diagnoses than in healthy populations. Please note: this variant was assessed in the context of healthy population screening.

Illumina Laboratory Services, Illumina
Classification: Pathogenic for DLD-Related Disorders. Last evaluated: 2017-04-27. Review status: criteria provided, single submitter. Criteria: ICSL Variant Classification Criteria 09 May 2019. Collection method: clinical testing. Allele origin: germline.
Comment: Across a selection of available literature, the DLD c.685G>T (p.Gly229Cys) missense variant has been identified in a total of 27 patients with dihydrolipoamide dehydrogenase deficiency (also known as maple syrup urine disease type III), including 22 in a homozygous state, four in a compound heterozygous state, and one in a heterozygous state in whom a second variant was not identified (Shaag et al. 1999; Brassier et al. 2013; Haviv et al. 2014). The p.Gly229Cys variant was also identified in a heterozygous state in five unaffected family members. Control data are not available for this variant, which is reported at a frequency of 0.00042 in the European (non-Finnish) population of the Exome Aggregation Consortium. The p.Gly229Cys variant is located in the NAD+ binding domain of the protein. Functional studies using biochemical and biophysical analyses demonstrated that the variant increases the generation of reactive oxygen species compared to the wild type enzyme (Ambrus et al. 2011). Based on the evidence, the p.Gly229Cys variant is classified as pathogenic for DLD-related disorders. This variant was observed by ICSL as part of a predisposition screen in an ostensibly healthy population.

Center for Pediatric Genomic Medicine, Children's Mercy Hospital and Clinics
Classification: Pathogenic. Last evaluated: 2016-12-15. Review status: criteria provided, single submitter. Criteria: ACMG Guidelines, 2015. Collection method: clinical testing. Allele origin: germline.

Women's Health and Genetics/Laboratory Corporation of America, LabCorp
Classification: Pathogenic for Pyruvate dehydrogenase E3 deficiency. Last evaluated: 2016-10-27. Review status: criteria provided, single submitter. Criteria: LabCorp Variant Classification Summary - May 2015. Collection method: clinical testing. Allele origin: germline.
Comment: Variant summary: The DLD c.685G>T (p.Gly229Cys) variant involves the alteration of a conserved nucleotide. 4/4 in silico tools predict a damaging outcome for this variant (SNPs&GO not captured due to low reliability index). This variant was found in 32/121202 control chromosomes (1 homozygote) at a frequency of 0.000264, which does not exceed the estimated maximal expected allele frequency of a pathogenic DLD variant (0.005). The variant has been reported in numerous affected individuals in the literature. In addition, multiple clinical diagnostic laboratories/reputable databases classified this variant as pathogenic. Taken together, this variant is classified as pathogenic.

CENTOGENE GmbH and LLC - Guiding Precision Medicine
Classification: Pathogenic for Dihydrolipoamide dehydrogenase deficiency. Review status: criteria provided, single submitter. Criteria: ACMG Guidelines, 2015. Collection method: clinical testing. Allele origin: germline. Affected: yes.